The following is an entry in ClinVar:

ClinVar aggregate classification (germline): Uncertain significance. Review status: criteria provided, multiple submitters, no conflicts (2 of 4 stars). 2 submissions from 2 submitters: Uncertain significance (2). Last evaluated 2025-04-19.

Conditions:
Inborn genetic diseases. Identifiers: MedGen C0950123, MeSH D030342.

Allele frequency attached by ClinVar (database versions not stated): gnomAD 0.00001; TOPMed 0.00001; gnomAD exomes 0.00003; ExAC 0.00004.
gnomAD v4.1: 41 of 1,614,038 alleles (0.0025%); highest among the groups gnomAD compares: East Asian, 0.0045%; no homozygotes.

Submissions (2):

Labcorp Genetics (formerly Invitae), Labcorp
Classification: Uncertain significance. Last evaluated: 2025-04-19. Review status: criteria provided, single submitter. Criteria: Invitae Variant Classification Sherloc (09022015). Collection method: clinical testing. Allele origin: germline.
Comment: This sequence change replaces proline, which is neutral and non-polar, with leucine, which is neutral and non-polar, at codon 514 of the MMP14 protein (p.Pro514Leu). This variant is present in population databases (rs202185020, gnomAD 0.02%). This variant has not been reported in the literature in individuals affected with MMP14-related conditions. ClinVar contains an entry for this variant (Variation ID: 2473510). An algorithm developed to predict the effect of missense changes on protein structure and function (PolyPhen-2) suggests that this variant is likely to be tolerated. In summary, the available evidence is currently insufficient to determine the role of this variant in disease. Therefore, it has been classified as a Variant of Uncertain Significance.

Ambry Genetics
Classification: Uncertain significance for Inborn genetic diseases. Last evaluated: 2023-02-15. Review status: criteria provided, single submitter. Criteria: Ambry Variant Classification Scheme 2023. Collection method: clinical testing. Allele origin: germline.

NM_004995.4(MMP14):c.1541C>T (p.Pro514Leu)

Gene: MMP14 (matrix metallopeptidase 14; plus strand). Cytogenetic location: 14q11.2.
Variant type: single nucleotide variant.
Coding change: c.1541C>T on transcript NM_004995.4 (MANE Select); coding-DNA position 1541, C replaced by T.
Protein change: p.Pro514Leu; replaces proline 514 with leucine.
Molecular consequence: missense variant.
Genome position (GRCh38, 1-based): chr14:22,845,831, C>T. VCF-style: chr14-22845831-C-T. GRCh37 (hg19) VCF-style: chr14-23315040-C-T.
Other names: short protein forms P514L.
Identifiers: ClinVar variation 2473510 (VCV002473510.5), dbSNP rs202185020, ClinGen allele CA7105503.